The following is an entry in ClinVar:

ClinVar aggregate classification (germline): Pathogenic (1 of 4 stars; one submission).

Submission:

GeneDx
Classification: Pathogenic. Last evaluated: 2013-01-31. Review status: criteria provided, single submitter. Criteria: GeneDx Variant Classification (06012015). Collection method: clinical testing. Allele origin: germline. Affected: yes.
Comment: The c.2323_2326delGAGA mutation in the CDKL5 gene causes a frameshift starting with codon Glutamic acid 775, changes this amino acid to a Serine residue and creates a premature Stop codon at position 8 of the new reading frame, denoted p.Glu775SerfsX8. This mutation is predicted to cause loss of normal protein function either through protein truncation or nonsense-mediated mRNA decay. Although this mutation has not been previously reported to our knowledge, many other frameshift mutations have been reported in the CDKL5 gene in association with epilepsy. The variant is found in INFANT-EPI panel(s).

NM_001323289.2(CDKL5):c.2323_2326del (p.Glu775fs)

Gene: CDKL5 (cyclin dependent kinase like 5; plus strand). Cytogenetic location: Xp22.13.
Variant type: Deletion.
Coding change: c.2323_2326del on transcript NM_001323289.2 (MANE Select); coding-DNA positions 2323 to 2326, 4 bases deleted (GAGA; older notation c.2323_2326delGAGA).
Protein change: p.Glu775fs; shifts the reading frame from glutamic acid 775.
Molecular consequence: frameshift variant.
Genome position (GRCh38, 1-based): chrX:18,619,913-18,619,916, GAGA deleted; deleting any 4 consecutive bases within chrX:18,619,912-18,619,916 gives the same sequence; the c. name uses the placement nearest the transcript's 3' end. VCF-style (leftmost placement, unchanged base first): chrX-18619911-AAGAG-A. GRCh37 (hg19) VCF-style: chrX-18638031-AAGAG-A.
Other names: c.2323_2326del, p.Glu775fs (NM_001037343.2, NM_003159.3); c.2323_2326delGAGA (NM_003159.2); short protein forms E775fs.
Identifiers: ClinVar variation 156650 (VCV000156650.1), dbSNP rs267608654, ClinGen allele CA294688.